The following is an entry in ClinVar:

NM_030665.4(RAI1):c.4085C>T (p.Ser1362Phe)

Gene: RAI1 (retinoic acid induced 1; plus strand). Cytogenetic location: 17p11.2.
Variant type: single nucleotide variant.
Coding change: c.4085C>T on transcript NM_030665.4 (MANE Select); coding-DNA position 4085, C replaced by T.
Protein change: p.Ser1362Phe; replaces serine 1362 with phenylalanine.
Molecular consequence: missense variant.
Genome position (GRCh38, 1-based): chr17:17,797,033, C>T. VCF-style: chr17-17797033-C-T. GRCh37 (hg19) VCF-style: chr17-17700347-C-T.
Other names: short protein forms S1362F.
Identifiers: ClinVar variation 4992652 (VCV004992652.1).
Genomic context (GRCh38, chr17:17,797,033, plus strand): 5'-AGAAGTTCGCATGTAAAGCGCCAGGGGCCTCTCCTGGTAATCCTCTGAGCCCATCCCTTT[C>T]CGACAAAGACCGTGGGCTCAAGGGTGCTGGGGGCAGCCCAGTGGGGGTGGAAGAAGGCCT-3'
Protein context (NP_109590.3, residues 1352-1372): SPGNPLSPSL[Ser1362Phe]DKDRGLKGAG

ClinVar aggregate classification (germline): Uncertain significance (1 of 4 stars; one submission).

Conditions:
RAI1-related disorder. Also called: RAI1-related condition.

Submission:

PreventionGenetics, part of Exact Sciences
Classification: Uncertain significance for RAI1-related condition. Last evaluated: 2025-08-24. Review status: criteria provided, single submitter. Criteria: ACMG Guidelines, 2015. Collection method: clinical testing. Allele origin: germline.
Comment: The RAI1 c.4085C>T variant is predicted to result in the amino acid substitution p.Ser1362Phe. To our knowledge, this variant has not been reported in the literature or in a large population database (gnomAD), indicating this variant is rare. At this time, the clinical significance of this variant is uncertain due to the absence of conclusive functional and genetic evidence.